The following is an entry in ClinVar:

ClinVar aggregate classification (germline): Uncertain significance. Review status: criteria provided, multiple submitters, no conflicts (2 of 4 stars). 2 submissions from 2 submitters: Uncertain significance (2). Last evaluated 2024-10-07.

Conditions:
Kabuki syndrome. Also called: Kabuki make-up syndrome; NIIKAWA-KUROKI SYNDROME. Identifiers: Orphanet 2322, MedGen C0796004, MONDO:0016512.

Allele frequency attached by ClinVar (database versions not stated): gnomAD 0.00001.
gnomAD v4.1: 1 of 1,613,500 alleles (0.000062%); highest among the groups gnomAD compares: African/African-American, 0.0013%; no homozygotes.

Submissions (2):

Labcorp Genetics (formerly Invitae), Labcorp
Classification: Uncertain significance for Kabuki syndrome. Last evaluated: 2024-10-07. Review status: criteria provided, single submitter. Criteria: Invitae Variant Classification Sherloc (09022015). Collection method: clinical testing. Allele origin: germline.
Comment: This sequence change replaces leucine, which is neutral and non-polar, with proline, which is neutral and non-polar, at codon 2979 of the KMT2D protein (p.Leu2979Pro). This variant is not present in population databases (gnomAD no frequency). This variant has not been reported in the literature in individuals affected with KMT2D-related conditions. ClinVar contains an entry for this variant (Variation ID: 1345324). Invitae Evidence Modeling of protein sequence and biophysical properties (such as structural, functional, and spatial information, amino acid conservation, physicochemical variation, residue mobility, and thermodynamic stability) has been performed for this missense variant. However, the output from this modeling did not meet the statistical confidence thresholds required to predict the impact of this variant on KMT2D protein function. In summary, the available evidence is currently insufficient to determine the role of this variant in disease. Therefore, it has been classified as a Variant of Uncertain Significance.

GeneDx
Classification: Uncertain significance. Last evaluated: 2024-05-14. Review status: criteria provided, single submitter. Criteria: GeneDx Variant Classification Process June 2021. Collection method: clinical testing. Allele origin: germline. Affected: yes.
Comment: Not observed at significant frequency in large population cohorts (gnomAD); In silico analysis indicates that this missense variant does not alter protein structure/function; Has not been previously published as pathogenic or benign to our knowledge

NM_003482.4(KMT2D):c.8936T>C (p.Leu2979Pro)

Gene: KMT2D (lysine methyltransferase 2D; minus strand). Cytogenetic location: 12q13.12.
Variant type: single nucleotide variant.
Coding change: c.8936T>C on transcript NM_003482.4 (MANE Select); coding-DNA position 8936, T replaced by C.
Protein change: p.Leu2979Pro; replaces leucine 2979 with proline.
Molecular consequence: missense variant.
Genome position (GRCh38, 1-based): chr12:49,038,420, A>G on the plus strand (T>C on the coding strand, the complement: KMT2D is on the minus strand). VCF-style: chr12-49038420-A-G. GRCh37 (hg19) VCF-style: chr12-49432203-A-G.
Other names: c.8936T>C (NM_003482.3); short protein forms L2979P.
Identifiers: ClinVar variation 1345324 (VCV001345324.9), dbSNP rs1943326912, ClinGen allele CA384740364.
Genomic context (GRCh38, chr12:49,038,420, plus strand): 5'-GCATCAAAATCGTCATCCAGCTCGGGATCCTCACAGGGCAACTTCCCAGCTTCCAGGGCC[A>G]GAGGATTGGGGCGGCCAAGCTCAGTGCTCGACGGGGGCCGGTTGACCAGCTCCAAACCAG-3'
Protein context (NP_003473.3, residues 2969-2989): SSTELGRPNP[Leu2979Pro]ALEAGKLPCE